The following is an entry in ClinVar:

ClinVar aggregate classification (germline): Uncertain significance (1 of 4 stars; one submission).

gnomAD v4.1: 6 of 1,613,884 alleles (0.00037%); highest among the groups gnomAD compares: African/African-American, 0.0013%; no homozygotes.

Submission:

Labcorp Genetics (formerly Invitae), Labcorp
Classification: Uncertain significance. Last evaluated: 2025-04-17. Review status: criteria provided, single submitter. Criteria: Invitae Variant Classification Sherloc (09022015). Collection method: clinical testing. Allele origin: germline.
Comment: This sequence change replaces glycine, which is neutral and non-polar, with alanine, which is neutral and non-polar, at codon 385 of the PLAA protein (p.Gly385Ala). This variant is not present in population databases (gnomAD no frequency). This variant has not been reported in the literature in individuals affected with PLAA-related conditions. Invitae Evidence Modeling of protein sequence and biophysical properties (such as structural, functional, and spatial information, amino acid conservation, physicochemical variation, residue mobility, and thermodynamic stability) indicates that this missense variant is not expected to disrupt PLAA protein function with a negative predictive value of 80%. In summary, the available evidence is currently insufficient to determine the role of this variant in disease. Therefore, it has been classified as a Variant of Uncertain Significance.

NM_001031689.3(PLAA):c.1154G>C (p.Gly385Ala)

Gene: PLAA (phospholipase A2 activating protein; minus strand). Cytogenetic location: 9p21.2.
Variant type: single nucleotide variant.
Coding change: c.1154G>C on transcript NM_001031689.3 (MANE Select); coding-DNA position 1154, G replaced by C.
Protein change: p.Gly385Ala; replaces glycine 385 with alanine.
Molecular consequence: missense variant.
Genome position (GRCh38, 1-based): chr9:26,920,270, C>G on the plus strand (G>C on the coding strand, the complement: PLAA is on the minus strand). VCF-style: chr9-26920270-C-G. GRCh37 (hg19) VCF-style: chr9-26920268-C-G.
Other names: c.1154G>C, p.Gly385Ala (NM_001321546.2); short protein forms G385A.
Identifiers: ClinVar variation 4782079 (VCV004782079.1).
Genomic context (GRCh38, chr9:26,920,270, plus strand): 5'-AGTAGAAGTCGACATACTTTCCCTTCATATAAAACTTTTCCAGATGTTTGCTGATTAGCA[C>G]CAGATGAGCCAACAACATCACCAATTTTTATCCACCTCCCTTCACTAACACTCCACTGAT-3'
Protein context (NP_001026859.1, residues 375-395): IKIGDVVGSS[Gly385Ala]ANQQTSGKVL